The following is an entry in ClinVar:

NM_000492.4(CFTR):c.1541A>G (p.Glu514Gly)

Genes: CFTR-AS1 (CFTR antisense RNA 1; minus strand), CFTR (CF transmembrane conductance regulator; plus strand). Cytogenetic location: 7q31.2.
Variant type: single nucleotide variant.
Coding change: c.1541A>G on transcript NM_000492.4 (MANE Select); coding-DNA position 1541, A replaced by G.
Protein change: p.Glu514Gly; replaces glutamic acid 514 with glycine.
Molecular consequence: missense variant.
Genome position (GRCh38, 1-based): chr7:117,559,612, A>G. VCF-style: chr7-117559612-A-G. GRCh37 (hg19) VCF-style: chr7-117199666-A-G.
Other names: short protein forms E514G.
Identifiers: ClinVar variation 1774855 (VCV001774855.5), dbSNP rs1174624989, ClinGen allele CA368984815.

ClinVar aggregate classification (germline): Uncertain significance. Review status: criteria provided, multiple submitters, no conflicts (2 of 4 stars). 3 submissions from 3 submitters: Uncertain significance (2). 1 of the submissions does not count toward it. Last evaluated 2025-04-05.

Conditions:
CFTR-related disorder (CFTR-RD). Also called: CFTR-related condition; CFTR-related disorders. Identifiers: MedGen C5924204, MONDO:7770004.
Cystic fibrosis (CF). Also called: MUCOVISCIDOSIS. Identifiers: Orphanet 586, MedGen C0010674, MONDO:0009061, OMIM 219700. Disease mechanism: loss of function.

Submissions (3):

Ambry Genetics
Classification: Uncertain significance for Cystic fibrosis. Last evaluated: 2025-04-05. Review status: criteria provided, single submitter. Criteria: Ambry Variant Classification Scheme 2023. Collection method: clinical testing. Allele origin: germline.
Comment: The p.E514G variant (also known as c.1541A>G), located in coding exon 11 of the CFTR gene, results from an A to G substitution at nucleotide position 1541. The glutamic acid at codon 514 is replaced by glycine, an amino acid with similar properties. This amino acid position is conserved. In addition, this alteration is predicted to be deleterious by in silico analysis. Since supporting evidence is limited at this time, the clinical significance of this alteration remains unclear.

PreventionGenetics, part of Exact Sciences
Classification: Uncertain significance for CFTR-related condition. Last evaluated: 2022-11-17. Review status: criteria provided, single submitter. Criteria: ACMG Guidelines, 2015. Collection method: clinical testing. Allele origin: germline.
Comment: The CFTR c.1541A>G variant is predicted to result in the amino acid substitution p.Glu514Gly. To our knowledge, this variant has not been reported in the literature or in a large population database, indicating this variant is rare. At this time, the clinical significance of this variant is uncertain due to the absence of conclusive functional and genetic evidence.

Dr Mariam's Lab, University of the Punjab
Classification: Likely pathogenic for Cystic fibrosis. Review status: no assertion criteria provided. Collection method: case-control. Allele origin: germline. Affected: yes. Not counted in ClinVar's aggregate classification.